The following is an entry in ClinVar:

ClinVar aggregate classification (germline): Conflicting classifications of pathogenicity. Review status: criteria provided, conflicting classifications (1 of 4 stars). 4 submissions from 4 submitters: Uncertain significance (2); Likely benign (2). Last evaluated 2025-12-17.

Conditions:
PLCE1-related disorder. Also called: PLCE1-related condition.
Nephrotic syndrome, type 3 (NPHS3). Also called: NEPHROTIC SYNDROME, EARLY-ONSET, TYPE 3. Identifiers: Orphanet 656, MedGen C1853124, MONDO:0012546, OMIM 610725.

Allele frequency attached by ClinVar (database versions not stated): gnomAD below 0.00001 and 0.00011; 1000 Genomes Project 30x 0.00047; ExAC 0.00050; 1000 Genomes Project 0.00060.
gnomAD v4.1: 321 of 1,613,114 alleles (0.02%); highest among the groups gnomAD compares: South Asian, 0.34%; 6 homozygotes.

Submissions (4):

PreventionGenetics, part of Exact Sciences
Classification: Likely benign for PLCE1-related condition. Last evaluated: 2025-12-17. Review status: criteria provided, single submitter. Criteria: ACMG Guidelines, 2015. Collection method: clinical testing. Allele origin: germline.
Comment: This variant is classified as likely benign based on ACMG/AMP sequence variant interpretation guidelines (Richards et al. 2015 PMID: 25741868, with internal and published modifications).

GeneDx
Classification: Uncertain significance. Last evaluated: 2025-03-19. Review status: criteria provided, single submitter. Criteria: GeneDx Variant Classification Process June 2021. Collection method: clinical testing. Allele origin: germline. Affected: yes.
Comment: In silico analysis supports that this missense variant has a deleterious effect on protein structure/function; Has not been previously published as pathogenic or benign to our knowledge

Labcorp Genetics (formerly Invitae), Labcorp
Classification: Likely benign. Last evaluated: 2024-05-20. Review status: criteria provided, single submitter. Criteria: Invitae Variant Classification Sherloc (09022015). Collection method: clinical testing. Allele origin: germline.

Illumina Laboratory Services, Illumina
Classification: Uncertain significance for Nephrotic syndrome, type 3. Last evaluated: 2017-04-27. Review status: criteria provided, single submitter. Criteria: ICSL Variant Classification Criteria 13 December 2019. Collection method: clinical testing. Allele origin: germline.

NM_016341.4(PLCE1):c.1807G>A (p.Glu603Lys)

Gene: PLCE1 (phospholipase C epsilon 1; plus strand). Cytogenetic location: 10q23.33.
Variant type: single nucleotide variant.
Coding change: c.1807G>A on transcript NM_016341.4 (MANE Select); coding-DNA position 1807, G replaced by A.
Protein change: p.Glu603Lys; replaces glutamic acid 603 with lysine.
Molecular consequence: missense variant.
Genome position (GRCh38, 1-based): chr10:94,171,494, G>A. VCF-style: chr10-94171494-G-A. GRCh37 (hg19) VCF-style: chr10-95931251-G-A.
Other names: c.883G>A, p.Glu295Lys (NM_001165979.2); c.1807G>A, p.Glu603Lys (NM_001288989.2); short protein forms E295K, E603K.
Identifiers: ClinVar variation 879316 (VCV000879316.10), dbSNP rs554159388, ClinGen allele CA5612468.